The following is an entry in ClinVar:

ClinVar aggregate classification (germline): Uncertain significance (1 of 4 stars; one submission).

Conditions:
Joubert syndrome. Also called: CEREBELLOPARENCHYMAL DISORDER IV; JOUBERT-BOLTSHAUSER SYNDROME; Familial aplasia of the vermis. Identifiers: Orphanet 475, MedGen C5979921, MONDO:0018772.
Meckel-Gruber syndrome. Also called: DYSENCEPHALIA SPLANCHNOCYSTICA; GRUBER SYNDROME; Dysencephalia splachnocystica. Identifiers: Orphanet 564, MedGen C0265215, MONDO:0018921.
Nephronophthisis. Also called: Juvenile Nephronophthisis. Identifiers: Orphanet 655, MedGen C0687120, MONDO:0019005, HP:0000090.

Allele frequency attached by ClinVar (database versions not stated): TOPMed below 0.00001.
gnomAD v4.1: 1 of 1,606,690 alleles (0.000062%); no homozygotes.

Submission:

Labcorp Genetics (formerly Invitae), Labcorp
Classification: Uncertain significance for Joubert syndrome; Meckel-Gruber syndrome; Nephronophthisis. Last evaluated: 2022-10-13. Review status: criteria provided, single submitter. Criteria: Invitae Variant Classification Sherloc (09022015). Collection method: clinical testing. Allele origin: germline.
Comment: This sequence change replaces aspartic acid, which is acidic and polar, with valine, which is neutral and non-polar, at codon 873 of the CEP290 protein (p.Asp873Val). This variant is not present in population databases (gnomAD no frequency). This variant has not been reported in the literature in individuals affected with CEP290-related conditions. Advanced modeling of protein sequence and biophysical properties (such as structural, functional, and spatial information, amino acid conservation, physicochemical variation, residue mobility, and thermodynamic stability) has been performed at Invitae for this missense variant, however the output from this modeling did not meet the statistical confidence thresholds required to predict the impact of this variant on CEP290 protein function. In summary, the available evidence is currently insufficient to determine the role of this variant in disease. Therefore, it has been classified as a Variant of Uncertain Significance.

NM_025114.4(CEP290):c.2618A>T (p.Asp873Val)

Gene: CEP290 (centrosomal protein 290; minus strand). Cytogenetic location: 12q21.32.
Variant type: single nucleotide variant.
Coding change: c.2618A>T on transcript NM_025114.4 (MANE Select); coding-DNA position 2618, A replaced by T.
Protein change: p.Asp873Val; replaces aspartic acid 873 with valine.
Molecular consequence: missense variant.
Genome position (GRCh38, 1-based): chr12:88,106,874, T>A on the plus strand (A>T on the coding strand, the complement: CEP290 is on the minus strand). VCF-style: chr12-88106874-T-A. GRCh37 (hg19) VCF-style: chr12-88500651-T-A.
Other names: short protein forms D873V.
Identifiers: ClinVar variation 1905192 (VCV001905192.2), dbSNP rs1164443581, ClinGen allele CA385971515.